The following is an entry in ClinVar:

NM_001114753.3(ENG):c.187G>T (p.Glu63Ter)

Gene: ENG (endoglin; minus strand). Cytogenetic location: 9q34.11.
Variant type: single nucleotide variant.
Coding change: c.187G>T on transcript NM_001114753.3 (MANE Select); coding-DNA position 187, G replaced by T.
Protein change: p.Glu63Ter; replaces glutamic acid 63 with a stop codon.
Molecular consequence: nonsense. On other transcripts: 5 prime UTR variant (1).
Genome position (GRCh38, 1-based): chr9:127,843,126, C>A on the plus strand (G>T on the coding strand, the complement: ENG is on the minus strand). VCF-style: chr9-127843126-C-A. GRCh37 (hg19) VCF-style: chr9-130605405-C-A.
Other names: c.187G>T, p.Glu63Ter (NM_000118.4, NM_001406715.1); c.-360G>T (NM_001278138.2); short protein forms E63*.
Identifiers: ClinVar variation 811250 (VCV000811250.15), dbSNP rs1588596830, ClinGen allele CA374988970.
Genomic context (GRCh38, chr9:127,843,126, plus strand): 5'-CCACCCGACCCTGCCATGGGACACTCACCGTTGGGAACTCCAGGAAGAGGACATGGACTT[C>A]AAGGATGGCATTGGGGGCCTGAGCCACGCAGCCCTTCGAGACCTGGCTAGTGGTATATGT-3'

ClinVar aggregate classification (germline): Pathogenic. Review status: criteria provided, multiple submitters, no conflicts (2 of 4 stars). 2 submissions from 2 submitters: Pathogenic (2). Last evaluated 2024-02-02.

Conditions:
Hereditary hemorrhagic telangiectasia (HHT). Also called: ORW DISEASE; Osler Weber Rendu syndrome; OSLER-RENDU-WEBER DISEASE; Osler hemorrhagic telangiectasia syndrome. Identifiers: Orphanet 774, MedGen C0039445, MONDO:0019180. Disease mechanism: loss of function.
Telangiectasia, hereditary hemorrhagic, type 1 (HHT1). Also called: Osler Weber Rendu syndrome type 1; ENG-Related Hereditary Hemorrhagic Telangiectasia. Identifiers: Orphanet 774, MedGen C4551861, MONDO:0008535, OMIM 187300. Disease mechanism: loss of function.

Submissions (2):

Labcorp Genetics (formerly Invitae), Labcorp
Classification: Pathogenic for Hereditary hemorrhagic telangiectasia. Last evaluated: 2024-02-02. Review status: criteria provided, single submitter. Criteria: Invitae Variant Classification Sherloc (09022015). Collection method: clinical testing. Allele origin: germline.
Comment: This sequence change creates a premature translational stop signal (p.Glu63*) in the ENG gene. It is expected to result in an absent or disrupted protein product. Loss-of-function variants in ENG are known to be pathogenic (PMID: 15879500). This variant is not present in population databases (gnomAD no frequency). This variant has not been reported in the literature in individuals affected with ENG-related conditions. ClinVar contains an entry for this variant (Variation ID: 811250). For these reasons, this variant has been classified as Pathogenic.

ARUP Laboratories, Molecular Genetics and Genomics, ARUP Laboratories
Classification: Pathogenic for Telangiectasia, hereditary hemorrhagic, type 1. Last evaluated: 2019-01-12. Review status: criteria provided, single submitter. Criteria: ARUP Molecular Germline Variant Investigation Process. Collection method: clinical testing. Allele origin: germline.
Comment: The ENG c.187G>T; p.Glu63Ter variant, to our knowledge, is not reported in the medical literature or gene specific databases. This variant is also absent from general population databases (1000 Genomes Project, Exome Variant Server, and Genome Aggregation Database), indicating it is not a common polymorphism. This variant induces an early termination codon and is predicted to result in a truncated protein or mRNA subject to nonsense-mediated decay. Based on available information, this variant is considered to be pathogenic.

Literature cited by the submitters: PubMed 15879500 (cited by Labcorp Genetics (formerly Invitae), Labcorp).